The following is an entry in ClinVar:

NM_020937.4(FANCM):c.5337G>T (p.Gln1779His)

Gene: FANCM (FA complementation group M; plus strand). Cytogenetic location: 14q21.2.
Variant type: single nucleotide variant.
Coding change: c.5337G>T on transcript NM_020937.4 (MANE Select); coding-DNA position 5337, G replaced by T.
Protein change: p.Gln1779His; replaces glutamine 1779 with histidine.
Molecular consequence: missense variant.
Genome position (GRCh38, 1-based): chr14:45,189,359, G>T. VCF-style: chr14-45189359-G-T. GRCh37 (hg19) VCF-style: chr14-45658562-G-T.
Other names: c.5337G>T (LRG_502t1); c.5259G>T, p.Gln1753His (NM_001308133.2); short protein forms Q1779H, Q1753H.
Identifiers: ClinVar variation 644794 (VCV000644794.14), dbSNP rs374822670, ClinGen allele CA7169961.

ClinVar aggregate classification (germline): Uncertain significance. Review status: criteria provided, multiple submitters, no conflicts (2 of 4 stars). 2 submissions from 2 submitters: Uncertain significance (2). Last evaluated 2025-02-27.

Conditions:
Fanconi anemia (FA). Also called: Fanconi's anemia. Identifiers: Orphanet 84, MedGen C0015625, MeSH D005199, MONDO:0019391.

Allele frequency attached by ClinVar (database versions not stated): gnomAD 0.00001; gnomAD exomes 0.00001 and 0.00004; ExAC 0.00007; ESP Exome Variant Server 0.00008; TOPMed 0.00003.
gnomAD v4.1: 18 of 1,604,990 alleles (0.0011%); highest among the groups gnomAD compares: Non-Finnish European, 0.0014%; no homozygotes.

Submissions (2):

GeneDx
Classification: Uncertain significance. Last evaluated: 2025-02-27. Review status: criteria provided, single submitter. Criteria: GeneDx Variant Classification Process June 2021. Collection method: clinical testing. Allele origin: germline. Affected: yes.
Comment: Not observed at significant frequency in large population cohorts (gnomAD); In silico analysis indicates that this missense variant does not alter protein structure/function; Has not been previously published as pathogenic or benign to our knowledge

Labcorp Genetics (formerly Invitae), Labcorp
Classification: Uncertain significance for Fanconi anemia. Last evaluated: 2023-11-03. Review status: criteria provided, single submitter. Criteria: Invitae Variant Classification Sherloc (09022015). Collection method: clinical testing. Allele origin: germline.
Comment: This sequence change replaces glutamine, which is neutral and polar, with histidine, which is basic and polar, at codon 1779 of the FANCM protein (p.Gln1779His). This variant is present in population databases (rs374822670, gnomAD 0.008%). This variant has not been reported in the literature in individuals affected with FANCM-related conditions. ClinVar contains an entry for this variant (Variation ID: 644794). An algorithm developed to predict the effect of missense changes on protein structure and function (PolyPhen-2) suggests that this variant is likely to be tolerated. In summary, the available evidence is currently insufficient to determine the role of this variant in disease. Therefore, it has been classified as a Variant of Uncertain Significance.